The following is an entry in ClinVar:

NM_003070.5(SMARCA2):c.3439G>A (p.Asp1147Asn)

Gene: SMARCA2 (SWI/SNF related BAF chromatin remodeling complex subunit ATPase 2; plus strand). Cytogenetic location: 9p24.3.
Variant type: single nucleotide variant.
Coding change: c.3439G>A on transcript NM_003070.5 (MANE Select); coding-DNA position 3439, G replaced by A.
Protein change: p.Asp1147Asn; replaces aspartic acid 1147 with asparagine.
Molecular consequence: missense variant.
Genome position (GRCh38, 1-based): chr9:2,110,400, G>A. VCF-style: chr9-2110400-G-A. GRCh37 (hg19) VCF-style: chr9-2110400-G-A.
Other names: c.3439G>A, p.Asp1147Asn (NM_001289396.2, NM_139045.4); c.3265G>A, p.Asp1089Asn (NM_001289397.2); short protein forms D1147N, D1089N.
Identifiers: ClinVar variation 279980 (VCV000279980.7), dbSNP rs886041299, ClinGen allele CA10603195.

ClinVar aggregate classification (germline): Conflicting classifications of pathogenicity. Review status: criteria provided, conflicting classifications (1 of 4 stars). 2 submissions from 2 submitters: Pathogenic (1); Uncertain significance (1). Last evaluated 2024-12-02.

Submissions (2):

Labcorp Genetics (formerly Invitae), Labcorp
Classification: Uncertain significance. Last evaluated: 2024-12-02. Review status: criteria provided, single submitter. Criteria: Invitae Variant Classification Sherloc (09022015). Collection method: clinical testing. Allele origin: germline.
Comment: This sequence change replaces aspartic acid, which is acidic and polar, with asparagine, which is neutral and polar, at codon 1147 of the SMARCA2 protein (p.Asp1147Asn). This variant is not present in population databases (gnomAD no frequency). This variant has not been reported in the literature in individuals affected with SMARCA2-related conditions. ClinVar contains an entry for this variant (Variation ID: 279980). Invitae Evidence Modeling of protein sequence and biophysical properties (such as structural, functional, and spatial information, amino acid conservation, physicochemical variation, residue mobility, and thermodynamic stability) indicates that this missense variant is expected to disrupt SMARCA2 protein function with a positive predictive value of 80%. In summary, the available evidence is currently insufficient to determine the role of this variant in disease. Therefore, it has been classified as a Variant of Uncertain Significance.

GeneDx
Classification: Pathogenic. Last evaluated: 2021-12-03. Review status: criteria provided, single submitter. Criteria: GeneDx Variant Classification Process June 2021. Collection method: clinical testing. Allele origin: germline. Affected: yes.
Comment: Has not been previously published as pathogenic or benign to our knowledge; Not observed at significant frequency in large population cohorts (Lek et al., 2016); In silico analysis supports that this missense variant has a deleterious effect on protein structure/function; Located in the helicase C-terminal domain